The following is an entry in ClinVar:

NM_020937.4(FANCM):c.2603A>T (p.Lys868Ile)

Gene: FANCM (FA complementation group M; plus strand). Cytogenetic location: 14q21.2.
Variant type: single nucleotide variant.
Coding change: c.2603A>T on transcript NM_020937.4 (MANE Select); coding-DNA position 2603, A replaced by T.
Protein change: p.Lys868Ile; replaces lysine 868 with isoleucine.
Molecular consequence: missense variant.
Genome position (GRCh38, 1-based): chr14:45,175,357, A>T. VCF-style: chr14-45175357-A-T. GRCh37 (hg19) VCF-style: chr14-45644560-A-T.
Other names: c.2525A>T, p.Lys842Ile (NM_001308133.2); c.2603A>T (NM_020937.3); short protein forms K842I, K868I.
Identifiers: ClinVar variation 2156058 (VCV002156058.5), dbSNP rs1381081139, ClinGen allele CA389598212.

ClinVar aggregate classification (germline): Uncertain significance. Review status: criteria provided, multiple submitters, no conflicts (2 of 4 stars). 2 submissions from 2 submitters: Uncertain significance (2). Last evaluated 2025-02-09.

Conditions:
Fanconi anemia (FA). Also called: Fanconi's anemia. Identifiers: Orphanet 84, MedGen C0015625, MeSH D005199, MONDO:0019391.

Allele frequency attached by ClinVar (database versions not stated): TOPMed below 0.00001; gnomAD 0.00001.
gnomAD v4.1: 2 of 1,561,778 alleles (0.00013%); highest among the groups gnomAD compares: South Asian, 0.0012%; no homozygotes.

Submissions (2):

Quest Diagnostics Nichols Institute San Juan Capistrano
Classification: Uncertain significance. Last evaluated: 2025-02-09. Review status: criteria provided, single submitter. Criteria: Quest Diagnostics criteria. Collection method: clinical testing. Allele origin: unknown.
Comment: The FANCM c.2603A>T (p.Lys868Ile) variant has been reported in the published literature in an individual affected with breast cancer as well as a reportedly healthy individual (PMID: 36707629 (2023)). This variant has not been reported in large, multi-ethnic general populations (Genome Aggregation Database). Analysis of this variant using bioinformatics tools for the prediction of the effect of amino acid changes on protein structure and function yielded predictions that this variant is benign. Based on the available information, we are unable to determine the clinical significance of this variant.

Labcorp Genetics (formerly Invitae), Labcorp
Classification: Uncertain significance for Fanconi anemia. Last evaluated: 2022-01-06. Review status: criteria provided, single submitter. Criteria: Invitae Variant Classification Sherloc (09022015). Collection method: clinical testing. Allele origin: germline.
Comment: This sequence change replaces lysine, which is basic and polar, with isoleucine, which is neutral and non-polar, at codon 868 of the FANCM protein (p.Lys868Ile). In summary, the available evidence is currently insufficient to determine the role of this variant in disease. Therefore, it has been classified as a Variant of Uncertain Significance. Algorithms developed to predict the effect of missense changes on protein structure and function are either unavailable or do not agree on the potential impact of this missense change (SIFT: "Tolerated"; PolyPhen-2: "Possibly Damaging"; Align-GVGD: "Class C0"). This variant has not been reported in the literature in individuals affected with FANCM-related conditions. This variant is not present in population databases (gnomAD no frequency).

Literature cited by the submitters: PubMed 36707629 (cited by Quest Diagnostics Nichols Institute San Juan Capistrano).